The following is an entry in ClinVar:

ClinVar aggregate classification (germline): Likely pathogenic (1 of 4 stars; one submission).

Conditions:
Familial thoracic aortic aneurysm and aortic dissection (TAAD). Also called: Thoracic aortic aneurysms and dissections. Identifiers: Orphanet 91387, MedGen C4707243, MONDO:0019625.

Submission:

Ambry Genetics
Classification: Likely pathogenic for Familial thoracic aortic aneurysm and aortic dissection. Last evaluated: 2024-10-11. Review status: criteria provided, single submitter. Criteria: Ambry Variant Classification Scheme 2023. Collection method: clinical testing. Allele origin: germline.
Comment: The c.4622G>A (p.G1541E) alteration is located in exon 34 (coding exon 34) of the MED12 gene. This alteration results from a G to A substitution at nucleotide position 4622, causing the glycine (G) at amino acid position 1541 to be replaced by a glutamic acid (E). This variant was not reported in population-based cohorts in the Genome Aggregation Database (gnomAD). This amino acid position is highly conserved in available vertebrate species. This missense alteration is located in a region that has a low rate of benign missense variation (Lek, 2016; Firth, 2009). This alteration is predicted to be deleterious by in silico analysis. Based on the available evidence, this alteration is classified as likely pathogenic.

NM_005120.3(MED12):c.4622G>A (p.Gly1541Glu)

Gene: MED12 (mediator complex subunit 12; plus strand). Cytogenetic location: Xq13.1.
Variant type: single nucleotide variant.
Coding change: c.4622G>A on transcript NM_005120.3 (MANE Select); coding-DNA position 4622, G replaced by A.
Protein change: p.Gly1541Glu; replaces glycine 1541 with glutamic acid.
Molecular consequence: missense variant.
Genome position (GRCh38, 1-based): chrX:71,134,361, G>A. VCF-style: chrX-71134361-G-A. GRCh37 (hg19) VCF-style: chrX-70354211-G-A.
Other names: short protein forms G1541E.
Identifiers: ClinVar variation 3394507 (VCV003394507.1).